The following is an entry in ClinVar:

NM_006876.3(B4GAT1):c.76C>A (p.Gln26Lys)

Gene: B4GAT1 (beta-1,4-glucuronyltransferase 1; minus strand). Cytogenetic location: 11q13.2.
Variant type: single nucleotide variant.
Coding change: c.76C>A on transcript NM_006876.3 (MANE Select); coding-DNA position 76, C replaced by A.
Protein change: p.Gln26Lys; replaces glutamine 26 with lysine.
Molecular consequence: missense variant.
Genome position (GRCh38, 1-based): chr11:66,347,470, G>T on the plus strand (C>A on the coding strand, the complement: B4GAT1 is on the minus strand). VCF-style: chr11-66347470-G-T. GRCh37 (hg19) VCF-style: chr11-66114941-G-T.
Other names: short protein forms Q26K.
Identifiers: ClinVar variation 1195055 (VCV001195055.10), dbSNP rs762690431, ClinGen allele CA6120609.
Genomic context (GRCh38, chr11:66,347,470, plus strand): 5'-AATATTGGTCTTGCTCCTCCTGCCCGTGCAGTCCGGACAGCAGCGACAGGTAGAGCAGCT[G>T]CAGCATCGCCACCAGCATGAGCGCGGCCAGCAGCAGCTGGTAGAAGGCGCACCGGATGGC-3'
Protein context (NP_006867.1, residues 16-36): LAALMLVAML[Gln26Lys]LLYLSLLSGL

ClinVar aggregate classification (germline): Uncertain significance. Review status: criteria provided, multiple submitters, no conflicts (2 of 4 stars). 2 submissions from 2 submitters: Uncertain significance (2). Last evaluated 2022-03-08.

Conditions:
Muscular dystrophy-dystroglycanopathy (congenital with brain and eye anomalies), type A13. Also called: WALKER-WARBURG SYNDROME OR MUSCLE-EYE-BRAIN DISEASE, B3GNT1-RELATED; Muscular dystrophy-dystroglycanopathy (congenital with brain and eye anomalies), type a, 13. Identifiers: Orphanet 899, MedGen C3809042, MONDO:0014120, OMIM 615287.

Allele frequency attached by ClinVar (database versions not stated): gnomAD exomes below 0.00001; gnomAD 0.00001; ExAC 0.00002; TOPMed 0.00002.
gnomAD v4.1: 3 of 1,529,306 alleles (0.0002%); highest among the groups gnomAD compares: African/African-American, 0.0042%; no homozygotes.

Submissions (2):

Labcorp Genetics (formerly Invitae), Labcorp
Classification: Uncertain significance for Muscular dystrophy-dystroglycanopathy (congenital with brain and eye anomalies), type A13. Last evaluated: 2022-03-08. Review status: criteria provided, single submitter. Criteria: Invitae Variant Classification Sherloc (09022015). Collection method: clinical testing. Allele origin: germline.
Comment: In summary, the available evidence is currently insufficient to determine the role of this variant in disease. Therefore, it has been classified as a Variant of Uncertain Significance. Algorithms developed to predict the effect of missense changes on protein structure and function are either unavailable or do not agree on the potential impact of this missense change (SIFT: "Deleterious"; PolyPhen-2: "Benign"; Align-GVGD: "Class C45"). ClinVar contains an entry for this variant (Variation ID: 1195055). This variant has not been reported in the literature in individuals affected with B4GAT1-related conditions. The frequency data for this variant in the population databases is considered unreliable, as metrics indicate poor data quality at this position in the gnomAD database. This sequence change replaces glutamine, which is neutral and polar, with lysine, which is basic and polar, at codon 26 of the B4GAT1 protein (p.Gln26Lys).

GeneDx
Classification: Uncertain significance. Last evaluated: 2020-10-22. Review status: criteria provided, single submitter. Criteria: GeneDx Variant Classification Process June 2021. Collection method: clinical testing. Allele origin: germline. Affected: yes.
Comment: Not observed in large population cohorts (Lek et al., 2016); In silico analysis supports that this missense variant does not alter protein structure/function; Has not been previously published as pathogenic or benign to our knowledge